The following is an entry in ClinVar:

NM_000257.4(MYH7):c.1301G>A (p.Arg434Lys)

Gene: MYH7 (myosin heavy chain 7; minus strand). Cytogenetic location: 14q11.2.
Variant type: single nucleotide variant.
Coding change: c.1301G>A on transcript NM_000257.4 (MANE Select); coding-DNA position 1301, G replaced by A.
Protein change: p.Arg434Lys; replaces arginine 434 with lysine.
Molecular consequence: missense variant.
Genome position (GRCh38, 1-based): chr14:23,429,061, C>T on the plus strand (G>A on the coding strand, the complement: MYH7 is on the minus strand). VCF-style: chr14-23429061-C-T. GRCh37 (hg19) VCF-style: chr14-23898270-C-T.
Other names: c.1301G>A (LRG_384t1); short protein forms R434K.
Identifiers: ClinVar variation 192191 (VCV000192191.15), dbSNP rs786205356, ClinGen allele CA010503.
Genomic context (GRCh38, chr14:23,429,061, plus strand): 5'-TGGCGTGGCTGCTTGGTCTCCAGGGTGGCATTGATGCGCGTCACCATCCAGTTGAACATC[C>T]TCTCATACACTGCCTTGGCCAGTGCCCCAGTGGCATATATCACCTGCAAGGTGGAGGAGA-3'
Protein context (NP_000248.2, residues 424-444): TGALAKAVYE[Arg434Lys]MFNWMVTRIN

ClinVar aggregate classification (germline): Conflicting classifications of pathogenicity. Review status: criteria provided, conflicting classifications (1 of 4 stars). 4 submissions from 4 submitters: Uncertain significance (1); Benign (1); Likely benign (1). 1 of the submissions does not count toward it. Last evaluated 2025-06-09.

Conditions:
Cardiovascular phenotype. Identifiers: MedGen CN230736.
Hypertrophic cardiomyopathy. Also called: HYPERTROPHIC MYOCARDIOPATHY. Identifiers: Orphanet 217569, MedGen C0007194, MeSH D002312, MONDO:0005045, HP:0001639.

Allele frequency attached by ClinVar (database versions not stated): gnomAD exomes below 0.00001; gnomAD 0.00001; TOPMed 0.00001.
gnomAD v4.1: 6 of 1,614,064 alleles (0.00037%); highest among the groups gnomAD compares: African/African-American, 0.0027%; no homozygotes.

Submissions (4):

Labcorp Genetics (formerly Invitae), Labcorp
Classification: Uncertain significance for Hypertrophic cardiomyopathy. Last evaluated: 2025-06-09. Review status: criteria provided, single submitter. Criteria: Invitae Variant Classification Sherloc (09022015). Collection method: clinical testing. Allele origin: germline.
Comment: This sequence change replaces arginine, which is basic and polar, with lysine, which is basic and polar, at codon 434 of the MYH7 protein (p.Arg434Lys). This variant is present in population databases (rs786205356, gnomAD 0.007%). This variant has not been reported in the literature in individuals affected with MYH7-related conditions. ClinVar contains an entry for this variant (Variation ID: 192191). Invitae Evidence Modeling of protein sequence and biophysical properties (such as structural, functional, and spatial information, amino acid conservation, physicochemical variation, residue mobility, and thermodynamic stability) indicates that this missense variant is not expected to disrupt MYH7 protein function with a negative predictive value of 95%. In summary, the available evidence is currently insufficient to determine the role of this variant in disease. Therefore, it has been classified as a Variant of Uncertain Significance.

Ambry Genetics
Classification: Likely benign for Cardiovascular phenotype. Last evaluated: 2017-08-29. Review status: criteria provided, single submitter. Criteria: Ambry Variant Classification Scheme 2023. Collection method: clinical testing. Allele origin: germline.

Biesecker Lab/Clinical Genomics Section, National Institutes of Health
Classification: Benign. Last evaluated: 2013-06-24. Review status: criteria provided, single submitter. Criteria: Ng et al. (Circ Cardiovasc Genet. 2013). Collection method: research. Allele origin: unknown. Observed: 11 variant alleles. Study: ClinSeq.
Comment: The study set was not selected for affection status in relation to any cancer. Pathogenicity categories were based on literature curation. See Pubmed ID:23861362 for details.

Medical sequencing

Cohesion Phenomics
Classification: Benign for Hypertrophic Cardiomyopathy. Last evaluated: 2022-10-10. Review status: no assertion criteria provided. Criteria: ACMG Guidelines, 2015. Collection method: clinical testing. Allele origin: germline. Affected: yes. Not counted in ClinVar's aggregate classification.